The following is an entry in ClinVar:

ClinVar aggregate classification (germline): Uncertain significance. Review status: criteria provided, multiple submitters, no conflicts (2 of 4 stars). 3 submissions from 3 submitters: Uncertain significance (2). 1 of the submissions does not count toward it. Last evaluated 2025-02-13.

Conditions:
TMEM67-related disorder. Also called: TMEM67-related disorders; TMEM67-related condition. Identifiers: MedGen CN239423.
Inborn genetic diseases. Identifiers: MedGen C0950123, MeSH D030342.
Meckel-Gruber syndrome. Also called: GRUBER SYNDROME; Dysencephalia splachnocystica; DYSENCEPHALIA SPLANCHNOCYSTICA. Identifiers: Orphanet 564, MedGen C0265215, MONDO:0018921.
Joubert syndrome. Also called: JOUBERT-BOLTSHAUSER SYNDROME; Familial aplasia of the vermis. Identifiers: Orphanet 475, MedGen C5979921, MONDO:0018772.

Allele frequency attached by ClinVar (database versions not stated): gnomAD exomes below 0.00001 and 0.00002; gnomAD 0.00001; ExAC 0.00002; TOPMed 0.00002.
gnomAD v4.1: 6 of 1,613,568 alleles (0.00037%); highest among the groups gnomAD compares: Admixed American, 0.005%; no homozygotes.

Submissions (3):

Ambry Genetics
Classification: Uncertain significance for Inborn genetic diseases. Last evaluated: 2025-02-13. Review status: criteria provided, single submitter. Criteria: Ambry Variant Classification Scheme 2023. Collection method: clinical testing. Allele origin: germline.

Labcorp Genetics (formerly Invitae), Labcorp
Classification: Uncertain significance for Joubert syndrome; Meckel-Gruber syndrome. Last evaluated: 2022-07-06. Review status: criteria provided, single submitter. Criteria: Invitae Variant Classification Sherloc (09022015). Collection method: clinical testing. Allele origin: germline.
Comment: This sequence change replaces proline, which is neutral and non-polar, with serine, which is neutral and polar, at codon 726 of the TMEM67 protein (p.Pro726Ser). This variant is present in population databases (rs746521577, gnomAD 0.009%). This variant has not been reported in the literature in individuals affected with TMEM67-related conditions. ClinVar contains an entry for this variant (Variation ID: 1359203). Advanced modeling of protein sequence and biophysical properties (such as structural, functional, and spatial information, amino acid conservation, physicochemical variation, residue mobility, and thermodynamic stability) performed at Invitae indicates that this missense variant is not expected to disrupt TMEM67 protein function. In summary, the available evidence is currently insufficient to determine the role of this variant in disease. Therefore, it has been classified as a Variant of Uncertain Significance.

PreventionGenetics, part of Exact Sciences
Classification: Uncertain significance for TMEM67-related condition. Last evaluated: 2024-08-19. Review status: no assertion criteria provided. Collection method: clinical testing. Allele origin: germline. Not counted in ClinVar's aggregate classification.
Comment: The TMEM67 c.2176C>T variant is predicted to result in the amino acid substitution p.Pro726Ser. To our knowledge, this variant has not been reported in the literature. This variant is reported in 0.0087% of alleles in individuals of Latino descent in gnomAD. At this time, the clinical significance of this variant is uncertain due to the absence of conclusive functional and genetic evidence.

NM_153704.6(TMEM67):c.2176C>T (p.Pro726Ser)

Gene: TMEM67 (transmembrane protein 67; plus strand). Cytogenetic location: 8q22.1.
Variant type: single nucleotide variant.
Coding change: c.2176C>T on transcript NM_153704.6 (MANE Select); coding-DNA position 2176, C replaced by T.
Protein change: p.Pro726Ser; replaces proline 726 with serine.
Molecular consequence: missense variant. On other transcripts: non-coding transcript variant (1).
Genome position (GRCh38, 1-based): chr8:93,799,693, C>T. VCF-style: chr8-93799693-C-T. GRCh37 (hg19) VCF-style: chr8-94811921-C-T.
Other names: c.1933C>T, p.Pro645Ser (NM_001142301.1); c.2176C>T (NM_153704.5); short protein forms P645S, P726S.
Identifiers: ClinVar variation 1359203 (VCV001359203.5), dbSNP rs746521577, ClinGen allele CA4808221.
Genomic context (GRCh38, chr8:93,799,693, plus strand): 5'-AACTTAGCATTAATGGACTCATCTTCTAGTCTTTCTAGAAACCCACCTAGCTACATAGCT[C>T]CTTATAGCTGCATTTTGAGATATGCAGTGTCTGCTGCTCTTTGGCTAGCCATTGGAATTA-3'
Protein context (NP_714915.3, residues 716-736): LSRNPPSYIA[Pro726Ser]YSCILRYAVS